The following is an entry in ClinVar:

ClinVar aggregate classification (germline): Uncertain significance (1 of 4 stars; one submission).

Allele frequency attached by ClinVar (database versions not stated): gnomAD exomes 0.00002; TOPMed 0.00001; gnomAD 0.00002.
gnomAD v4.1: 32 of 1,606,944 alleles (0.002%); highest among the groups gnomAD compares: Non-Finnish European, 0.0027%; no homozygotes.

Submission:

Labcorp Genetics (formerly Invitae), Labcorp
Classification: Uncertain significance. Last evaluated: 2022-08-05. Review status: criteria provided, single submitter. Criteria: Invitae Variant Classification Sherloc (09022015). Collection method: clinical testing. Allele origin: germline.
Comment: In summary, the available evidence is currently insufficient to determine the role of this variant in disease. Therefore, it has been classified as a Variant of Uncertain Significance. Algorithms developed to predict the effect of missense changes on protein structure and function are either unavailable or do not agree on the potential impact of this missense change (SIFT: "Deleterious"; PolyPhen-2: "Benign"; Align-GVGD: "Class C0"). This variant has not been reported in the literature in individuals affected with TBCK-related conditions. The frequency data for this variant in the population databases is considered unreliable, as metrics indicate poor data quality at this position in the gnomAD database. This sequence change replaces alanine, which is neutral and non-polar, with valine, which is neutral and non-polar, at codon 230 of the TBCK protein (p.Ala230Val).

NM_001163435.3(TBCK):c.689C>T (p.Ala230Val)

Gene: TBCK (TBC1 domain containing kinase; minus strand). Cytogenetic location: 4q24.
Variant type: single nucleotide variant.
Coding change: c.689C>T on transcript NM_001163435.3 (MANE Select); coding-DNA position 689, C replaced by T.
Protein change: p.Ala230Val; replaces alanine 230 with valine.
Molecular consequence: missense variant.
Genome position (GRCh38, 1-based): chr4:106,248,952, G>A on the plus strand (C>T on the coding strand, the complement: TBCK is on the minus strand). VCF-style: chr4-106248952-G-A. GRCh37 (hg19) VCF-style: chr4-107170109-G-A.
Other names: c.689C>T, p.Ala230Val (NM_001163436.4); c.572C>T, p.Ala191Val (NM_001163437.3); c.173C>T, p.Ala58Val (NM_001290768.2); c.500C>T, p.Ala167Val (NM_033115.5); short protein forms A167V, A191V, A230V, A58V.
Identifiers: ClinVar variation 2414716 (VCV002414716.6), dbSNP rs1451273161, ClinGen allele CA357825139.